The following is an entry in ClinVar:

ClinVar aggregate classification (germline): Conflicting classifications of pathogenicity. Review status: criteria provided, conflicting classifications (1 of 4 stars). 13 submissions from 13 submitters: Uncertain significance (1); Likely benign (9). 3 of the submissions do not count toward it. Last evaluated 2026-03-23.

Conditions:
Connective tissue disorder. Also called: Connective tissue disease. Identifiers: MedGen C0009782, MONDO:0003900.
Ehlers-Danlos syndrome, classic type, 1 (EDSCL1). Also called: EHLERS-DANLOS SYNDROME, GRAVIS TYPE; EHLERS-DANLOS SYNDROME, SEVERE CLASSIC TYPE; Ehlers-Danlos syndrome, type 1; Ehlers-Danlos Syndrome, Classic Type, COL5A1-Related; EDS I. Identifiers: MedGen C0268335, MONDO:0019567, OMIM 130000.
COL5A1-related disorder. Also called: COL5A1-related condition.
Ehlers-Danlos syndrome, classic type (cEDS). Identifiers: Orphanet 287, MedGen C4225429, MONDO:0007522.
Familial thoracic aortic aneurysm and aortic dissection (TAAD). Also called: Thoracic aortic aneurysms and dissections. Identifiers: Orphanet 91387, MedGen C4707243, MONDO:0019625.

Allele frequency attached by ClinVar (database versions not stated): TOPMed 0.00049; ESP Exome Variant Server 0.00100.
gnomAD v4.1: 522 of 1,613,824 alleles (0.032%); highest among the groups gnomAD compares: Middle Eastern, 0.049%; 1 homozygote.

Submissions (13):

Women's Health and Genetics/Laboratory Corporation of America, LabCorp
Classification: Likely benign. Last evaluated: 2026-03-23. Review status: criteria provided, single submitter. Criteria: LabCorp Variant Classification Summary - May 2015. Collection method: clinical testing. Allele origin: germline.
Comment: Variant summary: COL5A1 c.514G>T (p.Val172Phe) results in a non-conservative amino acid change located in the Laminin G domain (IPR001791) of the encoded protein sequence. Algorithms developed to predict the effect of missense changes on protein structure and function are either unavailable or do not agree on the potential impact of this missense change. The variant allele was found at a frequency of 0.00034 in 250454 control chromosomes, predominantly at a frequency of 0.0007 within the Non-Finnish European subpopulation in the gnomAD database. The observed variant frequency within Non-Finnish European control individuals in the gnomAD database exceeds the estimated maximal expected allele frequency for disease-causing variants in COL5A1. c.514G>T has been observed in individuals affected with Ehlers-Danlos Syndrome (Junkiert-Czarnecka_2019), Cervical Artery Dissection (Traenka_2019), and Keratoconus (Fransen_2021), but was also found in multiple healthy controls (Fransen_2021). These reports do not provide unequivocal conclusions about association of the variant with Ehlers-Danlos Syndrome. To our knowledge, no experimental evidence demonstrating an impact on protein function has been reported. The following publications have been ascertained in the context of this evaluation (PMID: 30858776, 28074886, 31903434, 33737726). ClinVar contains an entry for this variant (Variation ID: 180298). Based on the evidence outlined above, the variant was classified as likely benign.

Labcorp Genetics (formerly Invitae), Labcorp
Classification: Likely benign for Ehlers-Danlos syndrome, classic type, 1. Last evaluated: 2026-02-03. Review status: criteria provided, single submitter. Criteria: Invitae Variant Classification Sherloc (09022015). Collection method: clinical testing. Allele origin: germline.

CeGaT Center for Human Genetics Tuebingen
Classification: Likely benign. Last evaluated: 2025-11-01. Review status: criteria provided, single submitter. Criteria: CeGaT Center For Human Genetics Tuebingen Variant Classification Criteria Version 2. Collection method: clinical testing. Allele origin: germline. Affected: yes. Observed: 14 variant alleles.
Comment: COL5A1: BP4, BS2

GeneDx
Classification: Uncertain significance. Last evaluated: 2025-09-11. Review status: criteria provided, single submitter. Criteria: GeneDx Variant Classification Process June 2021. Collection method: clinical testing. Allele origin: germline. Affected: yes.
Comment: Reported in a patient with Ehlers-Danlos syndrome, a patient with vertebral artery dissection who also harbored the p.(R65W) variant in the COL5A1 gene, and in a case of sudden infant death syndrome (SIDS) (PMID: 30858776, 31903434, 28074886); Reported in a patient with bleeding diathesis, hypermobility, and at least one first degree family member with bleeding diathesis who also harbored the p.(R65W) variant in the COL5A1 gene (PMID: 33161638); Not located in the triple helical region, where the majority of pathogenic missense variants occur (PMID: 22696272; HGMD); In silico analysis supports that this missense variant has a deleterious effect on protein structure/function; This variant is associated with the following publications: (PMID: 31903434, 33161638, 30858776, 35723357, 36043395, 28074886, 22696272, 33737726, 39333034, Tonk2025[CaseReport])

Mayo Clinic Laboratories, Mayo Clinic
Classification: Likely benign. Last evaluated: 2025-08-08. Review status: criteria provided, single submitter. Criteria: ACMG Guidelines, 2015. Collection method: clinical testing. Allele origin: germline. Observed: 6 variant alleles.
Comment: BS1

Blueprint Genetics
Classification: Likely benign. Last evaluated: 2024-10-14. Review status: criteria provided, single submitter. Criteria: ACMG Guidelines, 2015. Collection method: clinical testing. Allele origin: germline.

ARUP Laboratories, Molecular Genetics and Genomics, ARUP Laboratories
Classification: Likely benign. Last evaluated: 2024-07-25. Review status: criteria provided, single submitter. Criteria: ARUP Molecular Germline Variant Investigation Process 2024. Collection method: clinical testing. Allele origin: germline.

Ambry Genetics
Classification: Likely benign for Familial thoracic aortic aneurysm and aortic dissection. Last evaluated: 2020-09-30. Review status: criteria provided, single submitter. Criteria: Ambry Variant Classification Scheme 2023. Collection method: clinical testing. Allele origin: germline.

Illumina Laboratory Services, Illumina
Classification: Likely benign for Ehlers-Danlos syndrome, classic type, 1. Last evaluated: 2018-01-12. Review status: criteria provided, single submitter. Criteria: ICSL Variant Classification Criteria 13 December 2019. Collection method: clinical testing. Allele origin: germline.
Comment: This variant was observed in the ICSL laboratory as part of a predisposition screen in an ostensibly healthy population. It had not been previously curated by ICSL or reported in the Human Gene Mutation Database (HGMD: prior to June 1st, 2018), and was therefore a candidate for classification through an automated scoring system. Utilizing variant allele frequency, disease prevalence and penetrance estimates, and inheritance mode, an automated score was calculated to assess if this variant is too frequent to cause the disease. Based on the score and internal cut-off values, a variant classified as likely benign is not then subjected to further curation. The score for this variant resulted in a classification of likely benign for this disease.

Center for Human Genetics, Inc
Classification: Likely benign for Connective tissue disorder. Last evaluated: 2016-11-01. Review status: criteria provided, single submitter. Criteria: ACMG Guidelines, 2015. Collection method: clinical testing. Allele origin: germline. Affected: yes.

PreventionGenetics, part of Exact Sciences
Classification: Likely benign for COL5A1-related condition. Last evaluated: 2023-08-17. Review status: no assertion criteria provided. Collection method: clinical testing. Allele origin: germline. Not counted in ClinVar's aggregate classification.
Comment: This variant is classified as likely benign based on ACMG/AMP sequence variant interpretation guidelines (Richards et al. 2015 PMID: 25741868, with internal and published modifications).

Genome Diagnostics Laboratory, Amsterdam University Medical Center
Classification: Likely benign. Review status: no assertion criteria provided. Collection method: clinical testing. Allele origin: germline. Affected: yes. Study: VKGL Data-share Consensus. Not counted in ClinVar's aggregate classification.

Genome Diagnostics Laboratory, University Medical Center Utrecht
Classification: Likely benign. Review status: no assertion criteria provided. Collection method: clinical testing. Allele origin: germline. Affected: yes. Study: VKGL Data-share Consensus. Not counted in ClinVar's aggregate classification.

Literature cited by the submitters: PubMed 28074886 (cited by Women's Health and Genetics/Laboratory Corporation of America, LabCorp); PubMed 31903434 (cited by 3 submitters); PubMed 33737726 (cited by Women's Health and Genetics/Laboratory Corporation of America, LabCorp); PubMed 30858776 (cited by 3 submitters); PubMed 33161638 (cited by Mayo Clinic Laboratories, Mayo Clinic); PubMed 33189937 (cited by Mayo Clinic Laboratories, Mayo Clinic); PubMed 35723357 (cited by Mayo Clinic Laboratories, Mayo Clinic).

NM_000093.5(COL5A1):c.514G>T (p.Val172Phe)

Gene: COL5A1 (collagen type V alpha 1 chain; plus strand). Cytogenetic location: 9q34.3.
Variant type: single nucleotide variant.
Coding change: c.514G>T on transcript NM_000093.5 (MANE Select); coding-DNA position 514, G replaced by T.
Protein change: p.Val172Phe; replaces valine 172 with phenylalanine.
Molecular consequence: missense variant.
Genome position (GRCh38, 1-based): chr9:134,701,193, G>T. VCF-style: chr9-134701193-G-T. GRCh37 (hg19) VCF-style: chr9-137593039-G-T.
Other names: p.V172F:GTC>TTC; p.Val172Phe; c.514G>T, p.Val172Phe (NM_001278074.1); short protein forms V172F.
Identifiers: ClinVar variation 180298 (VCV000180298.73), dbSNP rs150147262, ClinGen allele CA324337.